The following is an entry in ClinVar:

ClinVar aggregate classification (germline): Uncertain significance (1 of 4 stars; one submission).

Conditions:
Ehlers-Danlos syndrome, dermatosparaxis type. Also called: Ehlers-Danlos syndrome, type VII, autosomal recessive; EDS VIIC; Dermatosparaxis. Identifiers: Orphanet 1901, MedGen C2700425, MONDO:0009161, OMIM 225410.

Allele frequency attached by ClinVar (database versions not stated): TOPMed below 0.00001; gnomAD 0.00001.
gnomAD v4.1: 1 of 1,598,936 alleles (0.000063%); highest among the groups gnomAD compares: Non-Finnish European, 0.000085%; no homozygotes.

Submission:

Labcorp Genetics (formerly Invitae), Labcorp
Classification: Uncertain significance for Ehlers-Danlos syndrome, dermatosparaxis type. Last evaluated: 2022-06-27. Review status: criteria provided, single submitter. Criteria: Invitae Variant Classification Sherloc (09022015). Collection method: clinical testing. Allele origin: germline.
Comment: In summary, the available evidence is currently insufficient to determine the role of this variant in disease. Therefore, it has been classified as a Variant of Uncertain Significance. Algorithms developed to predict the effect of missense changes on protein structure and function are either unavailable or do not agree on the potential impact of this missense change (SIFT: "Tolerated"; PolyPhen-2: "Not Available"; Align-GVGD: "Class C0"). This variant has not been reported in the literature in individuals affected with ADAMTS2-related conditions. This variant is not present in population databases (gnomAD no frequency). This sequence change replaces leucine, which is neutral and non-polar, with valine, which is neutral and non-polar, at codon 50 of the ADAMTS2 protein (p.Leu50Val).

NM_014244.5(ADAMTS2):c.148C>G (p.Leu50Val)

Gene: ADAMTS2 (ADAM metallopeptidase with thrombospondin type 1 motif 2; minus strand). Cytogenetic location: 5q35.3.
Variant type: single nucleotide variant.
Coding change: c.148C>G on transcript NM_014244.5 (MANE Select); coding-DNA position 148, C replaced by G.
Protein change: p.Leu50Val; replaces leucine 50 with valine.
Molecular consequence: missense variant.
Genome position (GRCh38, 1-based): chr5:179,344,153, G>C on the plus strand (C>G on the coding strand, the complement: ADAMTS2 is on the minus strand). VCF-style: chr5-179344153-G-C. GRCh37 (hg19) VCF-style: chr5-178771154-G-C.
Other names: c.148C>G, p.Leu50Val (NM_021599.4); short protein forms L50V.
Identifiers: ClinVar variation 1969675 (VCV001969675.5), dbSNP rs1757867571, ClinGen allele CA362623495.
Genomic context (GRCh38, chr5:179,344,153, plus strand): 5'-AGCGGCCCTGGGCGTCAGTGCGCACGGGCACCGCCAGGATGCGCTCCGCTCCGTGCCCCA[G>C]GGGCCCGCCTGCAACGGGAAGGGGCGTTAGATCGGCGGAGACCACGGAGCCCCAGTGCCT-3'
Protein context (NP_055059.2, residues 40-60): AAAADPPGGP[Leu50Val]GHGAERILAV